The following is an entry in ClinVar:

ClinVar aggregate classification (germline): Pathogenic/Likely pathogenic. Review status: criteria provided, multiple submitters, no conflicts (2 of 4 stars). 3 submissions from 3 submitters: Pathogenic (1); Likely pathogenic (2). Last evaluated 2026-09-04.

Conditions:
KLKB1-related disorder. Also called: KLKB1-related condition.
Inherited prekallikrein deficiency. Identifiers: Orphanet 749, MedGen CN305372, MONDO:0012901, OMIM 612423.

Submissions (3):

PreventionGenetics, part of Exact Sciences
Classification: Likely pathogenic for KLKB1-related condition. Last evaluated: 2026-09-04. Review status: criteria provided, single submitter. Criteria: ACMG Guidelines, 2015. Collection method: clinical testing. Allele origin: germline.
Comment: The KLKB1 c.1204_1205delTG variant is predicted to result in a frameshift and premature protein termination (p.Trp402Alafs*35). This variant was reported in an individual with Prekallikrein (PK) deficiency; however, zygosity of this variant was not clearly established in this patient (Case #4 in Barco et al. 2020. PubMed ID: 32202057). This variant is reported in 0.026% of alleles in individuals of European (Non-Finnish) descent in gnomAD. Frameshift variants in KLKB1 are expected to be pathogenic. This variant is interpreted as likely pathogenic.

Institute for Clinical Chemistry and Laboratory Medicine, University Medical Center Mainz
Classification: Pathogenic for Inherited prekallikrein deficiency. Last evaluated: 2022-12-06. Review status: criteria provided, single submitter. Criteria: ACMG Guidelines, 2015. Collection method: clinical testing. Allele origin: germline. Inheritance: Autosomal recessive inheritance. Affected: no. Observed: 2 variant alleles, 2 heterozygotes.
Comment: We have detected this variant, NM_000892.4(KLKB1):c.1204_1205delTG p.(Trp402Alafs*35), in two siblings via Sanger sequencing in heterozygosity (PMID: 32202057; slightly misnamed as c.1203_1204delGT, since the 3'-rule was not followed). Their aPTTs were within the usual reference ranges but they showed slightly decreased prekallikrein (PK) levels (case1: 66% PK activity, 43% PK antigen; case2: 59% PK activity, 34% PK antigen). This small deletion has a global MAF of ~0.01% (dbSNP) and likely results in a frameshift at protein level with a premature stop codon. In addition, it includes a base position that has already been described as a cause of PK deficiency in the literature in a compound heterozygous case (PMID: 14652634). Therefore, we classified this variant as pathogenic in accordance with ACMG guidelines.

Department of Pathology and Laboratory Medicine, Sinai Health System
Classification: Likely pathogenic for Inherited prekallikrein deficiency. Last evaluated: 2022-08-29. Review status: criteria provided, single submitter. Criteria: ACMG Guidelines, 2015. Collection method: research. Allele origin: germline.

Literature cited by the submitters: PubMed 32202057 (cited by Institute for Clinical Chemistry and Laboratory Medicine, University Medical Center Mainz).

NM_000892.5(KLKB1):c.1204_1205del (p.Trp402fs)

Gene: KLKB1 (kallikrein B1; plus strand). Cytogenetic location: 4q35.2.
Variant type: Deletion.
Coding change: c.1204_1205del on transcript NM_000892.5 (MANE Select); coding-DNA positions 1204 to 1205, 2 bases deleted (TG; older notation c.1204_1205delTG).
Protein change: p.Trp402fs; shifts the reading frame from tryptophan 402.
Molecular consequence: frameshift variant.
Genome position (GRCh38, 1-based): chr4:186,252,076-186,252,077, TG deleted; deleting any 2 consecutive bases within chr4:186,252,075-186,252,077 gives the same sequence; the c. name uses the placement nearest the transcript's 3' end. VCF-style (leftmost placement, unchanged base first): chr4-186252074-AGT-A. GRCh37 (hg19) VCF-style: chr4-187173228-AGT-A.
Other names: c.1090_1091del, p.Trp364fs (NM_001318394.2); c.598_599del, p.Trp200fs (NM_001318396.2); short protein forms W200fs, W402fs, W364fs.
Identifiers: ClinVar variation 1803725 (VCV001803725.5), dbSNP rs768319200, ClinGen allele CA3163324.